The following is an entry in ClinVar:

NM_004998.4(MYO1E):c.1684G>A (p.Gly562Arg)

Gene: MYO1E (myosin IE; minus strand). Cytogenetic location: 15q22.2.
Variant type: single nucleotide variant.
Coding change: c.1684G>A on transcript NM_004998.4 (MANE Select); coding-DNA position 1684, G replaced by A.
Protein change: p.Gly562Arg; replaces glycine 562 with arginine.
Molecular consequence: missense variant.
Genome position (GRCh38, 1-based): chr15:59,202,340, C>T on the plus strand (G>A on the coding strand, the complement: MYO1E is on the minus strand). VCF-style: chr15-59202340-C-T. GRCh37 (hg19) VCF-style: chr15-59494539-C-T.
Other names: short protein forms G562R.
Identifiers: ClinVar variation 848959 (VCV000848959.10), dbSNP rs1267027979, ClinGen allele CA392643457.

ClinVar aggregate classification (germline): Uncertain significance (1 of 4 stars; one submission).

Allele frequency attached by ClinVar (database versions not stated): gnomAD 0.00001; TOPMed 0.00001; gnomAD exomes below 0.00001.
gnomAD v4.1: 5 of 1,613,752 alleles (0.00031%); highest among the groups gnomAD compares: East Asian, 0.0022%; no homozygotes.

Submission:

Labcorp Genetics (formerly Invitae), Labcorp
Classification: Uncertain significance. Last evaluated: 2021-08-04. Review status: criteria provided, single submitter. Criteria: Invitae Variant Classification Sherloc (09022015). Collection method: clinical testing. Allele origin: germline.
Comment: This sequence change replaces glycine with arginine at codon 562 of the MYO1E protein (p.Gly562Arg). The glycine residue is highly conserved and there is a moderate physicochemical difference between glycine and arginine. This variant is not present in population databases (ExAC no frequency). This variant has been observed in individual(s) with clinical features of focal segmental glomerulosclerosis (Invitae). Algorithms developed to predict the effect of missense changes on protein structure and function (SIFT, PolyPhen-2, Align-GVGD) all suggest that this variant is likely to be disruptive, but these predictions have not been confirmed by published functional studies and their clinical significance is uncertain. Algorithms developed to predict the effect of sequence changes on RNA splicing suggest that this variant may create or strengthen a splice site, but this prediction has not been confirmed by published transcriptional studies. In summary, the available evidence is currently insufficient to determine the role of this variant in disease. Therefore, it has been classified as a Variant of Uncertain Significance.